The following is an entry in ClinVar:

ClinVar aggregate classification (germline): Conflicting classifications of pathogenicity. Review status: criteria provided, conflicting classifications (1 of 4 stars). 2 submissions from 2 submitters: Uncertain significance (1); Likely benign (1). Last evaluated 2025-01-21.

Conditions:
Immunodeficiency 51 (IMD51). Also called: CANDIDIASIS, FAMILIAL, 5. Identifiers: Orphanet 1334, MedGen C4310803, MONDO:0013500, OMIM 613953.

Allele frequency attached by ClinVar (database versions not stated): ExAC 0.00001; gnomAD 0.00002 and 0.00003; gnomAD exomes 0.00002; TOPMed 0.00003.
gnomAD v4.1: 40 of 1,613,870 alleles (0.0025%); highest among the groups gnomAD compares: Middle Eastern, 0.066%; no homozygotes.

Submissions (2):

Labcorp Genetics (formerly Invitae), Labcorp
Classification: Uncertain significance for Immunodeficiency 51. Last evaluated: 2025-01-21. Review status: criteria provided, single submitter. Criteria: Invitae Variant Classification Sherloc (09022015). Collection method: clinical testing. Allele origin: germline.
Comment: This sequence change falls in intron 3 of the IL17RA gene. It does not directly change the encoded amino acid sequence of the IL17RA protein. It affects a nucleotide within the consensus splice site. This variant is present in population databases (rs771719685, gnomAD 0.009%). This variant has not been reported in the literature in individuals affected with IL17RA-related conditions. ClinVar contains an entry for this variant (Variation ID: 860751). Variants that disrupt the consensus splice site are a relatively common cause of aberrant splicing (PMID: 17576681, 9536098). Algorithms developed to predict the effect of sequence changes on RNA splicing suggest that this variant is not likely to affect RNA splicing. In summary, the available evidence is currently insufficient to determine the role of this variant in disease. Therefore, it has been classified as a Variant of Uncertain Significance.

Blueprint Genetics
Classification: Likely benign. Last evaluated: 2024-06-21. Review status: criteria provided, single submitter. Criteria: ACMG Guidelines, 2015. Collection method: clinical testing. Allele origin: germline.

Literature cited by the submitters: PubMed 17576681 (cited by Labcorp Genetics (formerly Invitae), Labcorp); PubMed 9536098 (cited by Labcorp Genetics (formerly Invitae), Labcorp).

NM_014339.7(IL17RA):c.310+3G>A

Gene: IL17RA (interleukin 17 receptor A; plus strand). Cytogenetic location: 22q11.1.
Variant type: single nucleotide variant.
Coding change: c.310+3G>A on transcript NM_014339.7 (MANE Select); 3 bases into the intron after coding-DNA position 310, G replaced by A.
Molecular consequence: intron variant.
Genome position (GRCh38, 1-based): chr22:17,097,946, G>A. VCF-style: chr22-17097946-G-A. GRCh37 (hg19) VCF-style: chr22-17578836-G-A.
Other names: c.310+3G>A (NM_001289905.2).
Identifiers: ClinVar variation 860751 (VCV000860751.9), dbSNP rs771719685, ClinGen allele CA10086288.